The following is an entry in ClinVar:

NM_000264.5(PTCH1):c.2198C>T (p.Ser733Leu)

Genes: PTCH1 (patched 1; minus strand), LOC100507346 (uncharacterized LOC100507346; plus strand). Cytogenetic location: 9q22.32.
Variant type: single nucleotide variant.
Coding change: c.2198C>T on transcript NM_000264.5 (MANE Select); coding-DNA position 2198, C replaced by T.
Protein change: p.Ser733Leu; replaces serine 733 with leucine.
Molecular consequence: missense variant. On other transcripts: non-coding transcript variant (2).
Genome position (GRCh38, 1-based): chr9:95,468,803, G>A on the plus strand (C>T on the coding strand, the complement: PTCH1 is on the minus strand). VCF-style: chr9-95468803-G-A. GRCh37 (hg19) VCF-style: chr9-98231085-G-A.
Other names: c.2000C>T, p.Ser667Leu (NM_001083602.3); c.2195C>T, p.Ser732Leu (NM_001083603.3); c.1745C>T, p.Ser582Leu (NM_001083604.3, NM_001083605.3, NM_001083606.3 and 1 more transcripts); c.2042C>T, p.Ser681Leu (NM_001354918.2); short protein forms S732L, S667L, S582L, S681L, S733L.
Identifiers: ClinVar variation 1787517 (VCV001787517.2), dbSNP rs1311804361, ClinGen allele CA374115355.

ClinVar aggregate classification (germline): Uncertain significance (1 of 4 stars; one submission).

Conditions:
Hereditary cancer-predisposing syndrome. Also called: Neoplastic Syndromes, Hereditary; Tumor predisposition; Hereditary Cancer Syndrome; Hereditary neoplastic syndrome. Identifiers: Orphanet 140162, MedGen C0027672, MeSH D009386, MONDO:0015356.

Allele frequency attached by ClinVar (database versions not stated): gnomAD exomes below 0.00001.
gnomAD v4.1: 1 of 1,614,230 alleles (0.000062%); highest among the groups gnomAD compares: East Asian, 0.0022%; no homozygotes.

Submission:

Ambry Genetics
Classification: Uncertain significance for Hereditary cancer-predisposing syndrome. Last evaluated: 2022-02-26. Review status: criteria provided, single submitter. Criteria: Ambry Variant Classification Scheme 2023. Collection method: clinical testing. Allele origin: germline.
Comment: The p.S733L variant (also known as c.2198C>T), located in coding exon 14 of the PTCH1 gene, results from a C to T substitution at nucleotide position 2198. The serine at codon 733 is replaced by leucine, an amino acid with dissimilar properties. This amino acid position is conserved. In addition, the in silico prediction for this alteration is inconclusive. Since supporting evidence is limited at this time, the clinical significance of this alteration remains unclear.